The following is an entry in ClinVar:

ClinVar aggregate classification (germline): Uncertain significance (1 of 4 stars; one submission).

Submission:

GeneDx
Classification: Uncertain significance. Last evaluated: 2014-08-07. Review status: criteria provided, single submitter. Criteria: GeneDx Variant Classification (06012015). Collection method: clinical testing. Allele origin: germline. Affected: yes.
Comment: The M489L variant has not been published as a mutation, nor has it been reported as a benign polymorphism to our knowledge. The M489L variant was not observed in approximately 6,400 individuals of European and African American ancestry in the NHLBI Exome Sequencing Project, indicating it is not a common benign variant in these populations. This substitution occurs at a position that is conserved across species. However, the M489L variant is a conservative amino acid substitution, which is not likely to impact secondary protein structure as these residues share similar properties and in silico analysis is inconsistent in its predictions as to whether or not the variant is damaging to the protein structure/function. Therefore, based on the currently available information, it is unclear whether this variant is a pathogenic mutation or a rare benign variant.

NM_001375808.2(LPIN2):c.1465A>C (p.Met489Leu)

Gene: LPIN2 (lipin 2; minus strand). Cytogenetic location: 18p11.31.
Variant type: single nucleotide variant.
Coding change: c.1465A>C on transcript NM_001375808.2 (MANE Select); coding-DNA position 1465, A replaced by C.
Protein change: p.Met489Leu; replaces methionine 489 with leucine.
Molecular consequence: missense variant.
Genome position (GRCh38, 1-based): chr18:2,929,150, T>G on the plus strand (A>C on the coding strand, the complement: LPIN2 is on the minus strand). VCF-style: chr18-2929150-T-G. GRCh37 (hg19) VCF-style: chr18-2929148-T-G.
Other names: c.1465A>C, p.Met489Leu (NM_001375809.1, NM_014646.2); short protein forms M489L.
Identifiers: ClinVar variation 234334 (VCV000234334.2), dbSNP rs876660985, ClinGen allele CA10577583.